The following is an entry in ClinVar:

NM_001322934.2(NFKB2):c.1054G>A (p.Gly352Ser)

Gene: NFKB2 (nuclear factor kappa B subunit 2; plus strand). Cytogenetic location: 10q24.32.
Variant type: single nucleotide variant.
Coding change: c.1054G>A on transcript NM_001322934.2 (MANE Select); coding-DNA position 1054, G replaced by A.
Protein change: p.Gly352Ser; replaces glycine 352 with serine.
Molecular consequence: missense variant. On other transcripts: intron variant (1).
Genome position (GRCh38, 1-based): chr10:102,398,801, G>A. VCF-style: chr10-102398801-G-A. GRCh37 (hg19) VCF-style: chr10-104158558-G-A.
Other names: c.1054G>A, p.Gly352Ser (NM_001077494.3, NM_001261403.3, NM_001288724.1 and 1 more transcripts); c.991+278G>A (NM_001322935.1); short protein forms G352S.
Identifiers: ClinVar variation 4775650 (VCV004775650.1).
Genomic context (GRCh38, chr10:102,398,801, plus strand): 5'-AAGGAAGAGGTGCAGCGGAAGCGGAGGAAGGCCTTGCCCACCTTCTCCCAGCCCTTCGGG[G>A]GTGGCTCCCACATGGGTGGAGGCTCTGGGGGTGCAGCCGGGGGCTACGGAGGAGCTGGAG-3'
Protein context (NP_001309863.1, residues 342-362): ALPTFSQPFG[Gly352Ser]GSHMGGGSGG

ClinVar aggregate classification (germline): Uncertain significance (1 of 4 stars; one submission).

Conditions:
Immunodeficiency, common variable, 10. Also called: IMMUNODEFICIENCY, COMMON VARIABLE, WITH CENTRAL ADRENAL INSUFFICIENCY; DEFICIT IN ANTERIOR PITUITARY FUNCTION AND VARIABLE IMMUNODEFICIENCY. Identifiers: MedGen C3809991, MONDO:0014260, OMIM 615577.

Submission:

Labcorp Genetics (formerly Invitae), Labcorp
Classification: Uncertain significance for Immunodeficiency, common variable, 10. Last evaluated: 2025-06-22. Review status: criteria provided, single submitter. Criteria: Invitae Variant Classification Sherloc (09022015). Collection method: clinical testing. Allele origin: germline.
Comment: This sequence change replaces glycine, which is neutral and non-polar, with serine, which is neutral and polar, at codon 352 of the NFKB2 protein (p.Gly352Ser). This variant is not present in population databases (gnomAD no frequency). This variant has not been reported in the literature in individuals affected with NFKB2-related conditions. An algorithm developed to predict the effect of missense changes on protein structure and function (PolyPhen-2) suggests that this variant is likely to be tolerated. In summary, the available evidence is currently insufficient to determine the role of this variant in disease. Therefore, it has been classified as a Variant of Uncertain Significance.